The following is an entry in ClinVar:

ClinVar aggregate classification (germline): Uncertain significance. Review status: criteria provided, multiple submitters, no conflicts (2 of 4 stars). 3 submissions from 3 submitters: Uncertain significance (3). Last evaluated 2025-07-14.

Conditions:
Dyskeratosis congenita. Identifiers: Orphanet 1775, MedGen C0265965, MONDO:0015780.

Allele frequency attached by ClinVar (database versions not stated): gnomAD 0.00003; TOPMed 0.00005; gnomAD exomes 0.00006 and 0.00009; ExAC 0.00008; ESP Exome Variant Server 0.00008.
gnomAD v4.1: 142 of 1,613,912 alleles (0.0088%); highest among the groups gnomAD compares: Non-Finnish European, 0.011%; no homozygotes.

Submissions (3):

Labcorp Genetics (formerly Invitae), Labcorp
Classification: Uncertain significance for Dyskeratosis congenita. Last evaluated: 2025-07-14. Review status: criteria provided, single submitter. Criteria: Invitae Variant Classification Sherloc (09022015). Collection method: clinical testing. Allele origin: germline.
Comment: This sequence change replaces proline, which is neutral and non-polar, with serine, which is neutral and polar, at codon 37 of the NHP2 protein (p.Pro37Ser). This variant is present in population databases (rs201390429, gnomAD 0.01%). This missense change has been observed in individual(s) with immunodeficiency and/or myeloid neoplasm (PMID: 36031433, 37944684). ClinVar contains an entry for this variant (Variation ID: 459587). An algorithm developed to predict the effect of missense changes on protein structure and function (PolyPhen-2) suggests that this variant is likely to be disruptive. In summary, the available evidence is currently insufficient to determine the role of this variant in disease. Therefore, it has been classified as a Variant of Uncertain Significance.

Mayo Clinic Laboratories, Mayo Clinic
Classification: Uncertain significance. Last evaluated: 2023-05-10. Review status: criteria provided, single submitter. Criteria: ACMG Guidelines, 2015. Collection method: clinical testing. Allele origin: germline. Observed: 2 variant alleles.

Genetic Services Laboratory, University of Chicago
Classification: Uncertain significance. Last evaluated: 2017-11-02. Review status: criteria provided, single submitter. Criteria: ACMG Guidelines, 2015. Collection method: clinical testing. Allele origin: germline. Affected: no.

Literature cited by the submitters: PubMed 36031433 (cited by Labcorp Genetics (formerly Invitae), Labcorp and Mayo Clinic Laboratories, Mayo Clinic); PubMed 37944684 (cited by Labcorp Genetics (formerly Invitae), Labcorp).

NM_017838.4(NHP2):c.109C>T (p.Pro37Ser)

Gene: NHP2 (NHP2 ribonucleoprotein; minus strand). Cytogenetic location: 5q35.3.
Variant type: single nucleotide variant.
Coding change: c.109C>T on transcript NM_017838.4 (MANE Select); coding-DNA position 109, C replaced by T.
Protein change: p.Pro37Ser; replaces proline 37 with serine.
Molecular consequence: missense variant.
Genome position (GRCh38, 1-based): chr5:178,153,709, G>A on the plus strand (C>T on the coding strand, the complement: NHP2 is on the minus strand). VCF-style: chr5-178153709-G-A. GRCh37 (hg19) VCF-style: chr5-177580710-G-A.
Other names: c.109C>T, p.Pro37Ser (NM_001034833.2); short protein forms P37S.
Identifiers: ClinVar variation 459587 (VCV000459587.19), dbSNP rs201390429, ClinGen allele CA3589285.